The following is an entry in ClinVar:

ClinVar aggregate classification (germline): Uncertain significance. Review status: criteria provided, multiple submitters, no conflicts (2 of 4 stars). 4 submissions from 4 submitters: Uncertain significance (4). Last evaluated 2025-04-24.

Conditions:
IFT172-related disorder. Also called: IFT172-related disorders; IFT172-related condition.
Retinitis pigmentosa 71 (RP71). Identifiers: Orphanet 791, MedGen C4225342, MONDO:0014618, OMIM 616394.
Short-rib thoracic dysplasia 10 with or without polydactyly (SRTD10). Identifiers: Orphanet 474, MedGen C3810175, MONDO:0014284, OMIM 615630.
Inborn genetic diseases. Identifiers: MedGen C0950123, MeSH D030342.

Allele frequency attached by ClinVar (database versions not stated): gnomAD 0.00001; gnomAD exomes 0.00001 and 0.00002; TOPMed 0.00001.
gnomAD v4.1: 36 of 1,613,984 alleles (0.0022%); highest among the groups gnomAD compares: Non-Finnish European, 0.003%; no homozygotes.

Submissions (4):

PreventionGenetics, part of Exact Sciences
Classification: Uncertain significance for IFT172-related condition. Last evaluated: 2025-04-24. Review status: criteria provided, single submitter. Criteria: ACMG Guidelines, 2015. Collection method: clinical testing. Allele origin: germline.
Comment: The IFT172 c.2653A>G variant is predicted to result in the amino acid substitution p.Lys885Glu. To our knowledge, this variant has not been reported in the literature. This variant is reported in 0.0026% of alleles in individuals of European (Non-Finnish) descent in gnomAD. At this time, the clinical significance of this variant is uncertain due to the absence of conclusive functional and genetic evidence.

Women's Health and Genetics/Laboratory Corporation of America, LabCorp
Classification: Uncertain significance. Last evaluated: 2024-08-23. Review status: criteria provided, single submitter. Criteria: LabCorp Variant Classification Summary - May 2015. Collection method: clinical testing. Allele origin: germline.
Comment: Variant summary: IFT172 c.2653A>G (p.Lys885Glu) results in a conservative amino acid change in the encoded protein sequence. Three of five in-silico tools predict a damaging effect of the variant on protein function. The variant allele was found at a frequency of 1.2e-05 in 251128 control chromosomes. The available data on variant occurrences in the general population are insufficient to allow any conclusion about variant significance. To our knowledge, no occurrence of c.2653A>G in individuals affected with IFT172-Related Disorders and no experimental evidence demonstrating its impact on protein function have been reported. ClinVar contains an entry for this variant (Variation ID: 1403681). Based on the evidence outlined above, the variant was classified as uncertain significance.

Labcorp Genetics (formerly Invitae), Labcorp
Classification: Uncertain significance for Retinitis pigmentosa 71; Short-rib thoracic dysplasia 10 with or without polydactyly. Last evaluated: 2022-08-18. Review status: criteria provided, single submitter. Criteria: Invitae Variant Classification Sherloc (09022015). Collection method: clinical testing. Allele origin: germline.
Comment: Algorithms developed to predict the effect of missense changes on protein structure and function are either unavailable or do not agree on the potential impact of this missense change (SIFT: "Deleterious"; PolyPhen-2: "Probably Damaging"; Align-GVGD: "Class C0"). In summary, the available evidence is currently insufficient to determine the role of this variant in disease. Therefore, it has been classified as a Variant of Uncertain Significance. ClinVar contains an entry for this variant (Variation ID: 1403681). This variant has not been reported in the literature in individuals affected with IFT172-related conditions. This variant is present in population databases (no rsID available, gnomAD 0.003%). This sequence change replaces lysine, which is basic and polar, with glutamic acid, which is acidic and polar, at codon 885 of the IFT172 protein (p.Lys885Glu).

Ambry Genetics
Classification: Uncertain significance for Inborn genetic diseases. Last evaluated: 2021-08-13. Review status: criteria provided, single submitter. Criteria: Ambry Variant Classification Scheme 2023. Collection method: clinical testing. Allele origin: germline.

NM_015662.3(IFT172):c.2653A>G (p.Lys885Glu)

Genes: IFT172 (intraflagellar transport 172; minus strand), LOC126806174 (CDK7 strongly-dependent group 2 enhancer GRCh37_chr2:27681686-27682885; plus strand). Cytogenetic location: 2p23.3.
Variant type: single nucleotide variant.
Coding change: c.2653A>G on transcript NM_015662.3 (MANE Select); coding-DNA position 2653, A replaced by G.
Protein change: p.Lys885Glu; replaces lysine 885 with glutamic acid.
Molecular consequence: missense variant.
Genome position (GRCh38, 1-based): chr2:27,459,512, T>C on the plus strand (A>G on the coding strand, the complement: IFT172 is on the minus strand). VCF-style: chr2-27459512-T-C. GRCh37 (hg19) VCF-style: chr2-27682379-T-C.
Other names: c.2653A>G (NM_015662.2, NM_015662.1); short protein forms K885E.
Identifiers: ClinVar variation 1403681 (VCV001403681.9), dbSNP rs975731134, ClinGen allele CA44494834.